The following is an entry in ClinVar:

ClinVar aggregate classification (germline): Uncertain significance (1 of 4 stars; one submission).

Conditions:
Early-infantile DEE. Also called: Early infantile epileptic encephalopathy; Ohtahara syndrome; Early infantile epileptic encephalopathy with suppression bursts. Identifiers: Orphanet 1934, MedGen C0393706, MONDO:0800491.

Allele frequency attached by ClinVar (database versions not stated): gnomAD exomes below 0.00001; TOPMed 0.00003.

Submission:

Labcorp Genetics (formerly Invitae), Labcorp
Classification: Uncertain significance for Early-infantile DEE. Last evaluated: 2022-06-24. Review status: criteria provided, single submitter. Criteria: Invitae Variant Classification Sherloc (09022015). Collection method: clinical testing. Allele origin: germline.
Comment: In summary, the available evidence is currently insufficient to determine the role of this variant in disease. Therefore, it has been classified as a Variant of Uncertain Significance. Algorithms developed to predict the effect of sequence changes on RNA splicing suggest that this variant may disrupt the consensus splice site. This variant has not been reported in the literature in individuals affected with SLC25A22-related conditions. This variant is present in population databases (no rsID available, gnomAD 0.004%). This sequence change falls in intron 2 of the SLC25A22 gene. It does not directly change the encoded amino acid sequence of the SLC25A22 protein.

NM_001191061.2(SLC25A22):c.21-11del

Gene: SLC25A22 (solute carrier family 25 member 22; minus strand). Cytogenetic location: 11p15.5.
Variant type: Deletion.
Coding change: c.21-11del on transcript NM_001191061.2 (MANE Select); 11 bases into the intron before coding-DNA position 21, one base deleted (T; older notation c.21-11delT).
Molecular consequence: intron variant.
Genome position (GRCh38, 1-based): chr11:794,912, A deleted on the plus strand (T on the coding strand, the reverse complement: SLC25A22 is on the minus strand). VCF-style (leftmost placement, unchanged base first): chr11-794911-CA-C. GRCh37 (hg19) VCF-style: chr11-794911-CA-C.
Other names: c.21-11del (NM_001191060.2, NM_024698.6).
Identifiers: ClinVar variation 2010051 (VCV002010051.4), dbSNP rs1346428784, ClinGen allele CA596793640.